The following is an entry in ClinVar:

ClinVar aggregate classification (germline): Pathogenic (1 of 4 stars; one submission).

Conditions:
Progressive sclerosing poliodystrophy (MTDPS4A). Also called: Mitochondrial DNA depletion syndrome 4A (Alpers type); ALPERS PROGRESSIVE INFANTILE POLIODYSTROPHY; NEURONAL DEGENERATION OF CHILDHOOD WITH LIVER DISEASE, PROGRESSIVE; Mitochondrial DNA Depletion Syndrome 4A; Alpers-Huttenlocher Syndrome (AHS); Alpers Syndrome. Identifiers: Orphanet 726, MedGen C0205710, MONDO:0008758, OMIM 203700.

Submission:

Labcorp Genetics (formerly Invitae), Labcorp
Classification: Pathogenic for Progressive sclerosing poliodystrophy. Last evaluated: 2021-11-29. Review status: criteria provided, single submitter. Criteria: Invitae Variant Classification Sherloc (09022015). Collection method: clinical testing. Allele origin: germline.
Comment: For these reasons, this variant has been classified as Pathogenic. This sequence change creates a premature translational stop signal (p.Leu1109Phefs*13) in the POLG gene. It is expected to result in an absent or disrupted protein product. Loss-of-function variants in POLG are known to be pathogenic (PMID: 18546365). This variant is not present in population databases (gnomAD no frequency). This variant has not been reported in the literature in individuals affected with POLG-related conditions.

Literature cited by the submitters: PubMed 18546365.

NM_002693.3(POLG):c.3326dup (p.Leu1109fs)

Gene: POLG (DNA polymerase gamma, catalytic subunit; minus strand). Cytogenetic location: 15q26.1.
Variant type: Duplication.
Coding change: c.3326dup on transcript NM_002693.3 (MANE Select); coding-DNA position 3326, one base duplicated (T; older notation c.3326dupT).
Protein change: p.Leu1109fs; shifts the reading frame from leucine 1109.
Molecular consequence: frameshift variant.
Genome position (GRCh38, 1-based): chr15:89,318,697, A duplicated on the plus strand (T on the coding strand, the reverse complement: POLG is on the minus strand); the first of 2 consecutive A bases (chr15:89,318,697-89,318,698); duplicating either gives the same sequence. VCF-style (leftmost placement, unchanged base first): chr15-89318696-T-TA. GRCh37 (hg19) VCF-style: chr15-89861927-T-TA.
Other names: c.3326dup, p.Leu1109fs (NM_001126131.2); short protein forms L1109fs.
Identifiers: ClinVar variation 1409996 (VCV001409996.6), dbSNP rs2152058768, ClinGen allele CA2573151262.